The following is an entry in ClinVar:

NM_001358530.2(MOCS1):c.950G>A (p.Arg317His)

Gene: MOCS1 (molybdenum cofactor synthesis 1; minus strand). Cytogenetic location: 6p21.2.
Variant type: single nucleotide variant.
Coding change: c.950G>A on transcript NM_001358530.2 (MANE Select); coding-DNA position 950, G replaced by A.
Protein change: p.Arg317His; replaces arginine 317 with histidine.
Molecular consequence: missense variant. On other transcripts: non-coding transcript variant (1).
Genome position (GRCh38, 1-based): chr6:39,912,295, C>T on the plus strand (G>A on the coding strand, the complement: MOCS1 is on the minus strand). VCF-style: chr6-39912295-C-T. GRCh37 (hg19) VCF-style: chr6-39880039-C-T.
Other names: c.950G>A, p.Arg317His (NM_001075098.4, NM_001358529.2, NM_005943.6); c.689G>A, p.Arg230His (NM_001358531.2, NM_001358533.2, NM_001358534.2); c.950G>A (NM_005943.5); short protein forms R230H, R317H.
Identifiers: ClinVar variation 2162137 (VCV002162137.2), dbSNP rs756158164, ClinGen allele CA3796106.

ClinVar aggregate classification (germline): Uncertain significance. Review status: criteria provided, multiple submitters, no conflicts (2 of 4 stars). 2 submissions from 2 submitters: Uncertain significance (2). Last evaluated 2024-04-23.

Conditions:
Sulfite oxidase deficiency due to molybdenum cofactor deficiency type A. Also called: Molybdenum Cofactor Deficiency A; Molybdenum cofactor deficiency, complementation group A. Identifiers: Orphanet 308386, Orphanet 833, MedGen C1854988, MONDO:0009643, OMIM 252150.

Allele frequency attached by ClinVar (database versions not stated): ExAC 0.00003.
gnomAD v4.1: 26 of 1,613,146 alleles (0.0016%); highest among the groups gnomAD compares: East Asian, 0.0045%; no homozygotes.

Submissions (2):

Fulgent Genetics
Classification: Uncertain significance for Sulfite oxidase deficiency due to molybdenum cofactor deficiency type A. Last evaluated: 2024-04-23. Review status: criteria provided, single submitter. Criteria: ACMG Guidelines, 2015. Collection method: clinical testing. Allele origin: germline.

Labcorp Genetics (formerly Invitae), Labcorp
Classification: Uncertain significance for Sulfite oxidase deficiency due to molybdenum cofactor deficiency type A. Last evaluated: 2022-07-26. Review status: criteria provided, single submitter. Criteria: Invitae Variant Classification Sherloc (09022015). Collection method: clinical testing. Allele origin: germline.
Comment: This sequence change replaces arginine, which is basic and polar, with histidine, which is basic and polar, at codon 317 of the MOCS1 protein (p.Arg317His). This variant is present in population databases (rs756158164, gnomAD 0.006%). This variant has not been reported in the literature in individuals affected with MOCS1-related conditions. Algorithms developed to predict the effect of missense changes on protein structure and function are either unavailable or do not agree on the potential impact of this missense change (SIFT: "Not Available"; PolyPhen-2: "Probably Damaging"; Align-GVGD: "Not Available"). This variant disrupts the p.Arg317Cys amino acid residue in MOCS1. Other variant(s) that disrupt this residue have been determined to be pathogenic (PMID: 29274890, 30695801). This suggests that this residue is clinically significant, and that variants that disrupt this residue are likely to be disease-causing. In summary, the available evidence is currently insufficient to determine the role of this variant in disease. Therefore, it has been classified as a Variant of Uncertain Significance.

Literature cited by the submitters: PubMed 29274890 (cited by Labcorp Genetics (formerly Invitae), Labcorp); PubMed 30695801 (cited by Labcorp Genetics (formerly Invitae), Labcorp).